The following is an entry in ClinVar:

NM_198525.3(KIF7):c.2652C>T (p.Ile884=)

Gene: KIF7 (kinesin family member 7; minus strand). Cytogenetic location: 15q26.1.
Variant type: single nucleotide variant.
Coding change: c.2652C>T on transcript NM_198525.3 (MANE Select); coding-DNA position 2652, C replaced by T.
Protein change: p.Ile884=; no amino-acid change (isoleucine 884 retained).
Molecular consequence: synonymous variant.
Genome position (GRCh38, 1-based): chr15:89,633,207, G>A on the plus strand (C>T on the coding strand, the complement: KIF7 is on the minus strand). VCF-style: chr15-89633207-G-A. GRCh37 (hg19) VCF-style: chr15-90176438-G-A.
Identifiers: ClinVar variation 1088121 (VCV001088121.17), dbSNP rs750064265, ClinGen allele CA7728055.

ClinVar aggregate classification (germline): Likely benign. Review status: criteria provided, multiple submitters, no conflicts (2 of 4 stars). 3 submissions from 3 submitters: Likely benign (3). Last evaluated 2025-09-01.

Conditions:
Acrocallosal syndrome (ACLS). Also called: Schinzel syndrome 1; Absence of corpus callosum with unusual facial appearance, mental deficiency, duplication of the halluces and polydactyly; HALLUX DUPLICATION, POSTAXIAL POLYDACTYLY, AND ABSENCE OF CORPUS CALLOSUM. Identifiers: Orphanet 36, MedGen C0796147, MONDO:0008708, OMIM 200990.

Allele frequency attached by ClinVar (database versions not stated): gnomAD 0.00001 and 0.00002; gnomAD exomes 0.00003; ExAC 0.00005.
gnomAD v4.1: 44 of 1,599,266 alleles (0.0028%); highest among the groups gnomAD compares: Middle Eastern, 0.017%; no homozygotes.

Submissions (3):

CeGaT Center for Human Genetics Tuebingen
Classification: Likely benign. Last evaluated: 2025-09-01. Review status: criteria provided, single submitter. Criteria: CeGaT Center For Human Genetics Tuebingen Variant Classification Criteria Version 2. Collection method: clinical testing. Allele origin: germline. Affected: yes. Observed: 1 variant allele.
Comment: KIF7: BP4, BP7

Labcorp Genetics (formerly Invitae), Labcorp
Classification: Likely benign for Acrocallosal syndrome. Last evaluated: 2025-05-11. Review status: criteria provided, single submitter. Criteria: Invitae Variant Classification Sherloc (09022015). Collection method: clinical testing. Allele origin: germline.

Blueprint Genetics
Classification: Likely benign. Last evaluated: 2024-07-05. Review status: criteria provided, single submitter. Criteria: ACMG Guidelines, 2015. Collection method: clinical testing. Allele origin: germline.